The following is an entry in ClinVar:

ClinVar aggregate classification (germline): Likely benign (1 of 4 stars; one submission).

Allele frequency attached by ClinVar (database versions not stated): gnomAD exomes below 0.00001; TOPMed 0.00001.

Submission:

CeGaT Center for Human Genetics Tuebingen
Classification: Likely benign. Last evaluated: 2023-05-01. Review status: criteria provided, single submitter. Criteria: CeGaT Center For Human Genetics Tuebingen Variant Classification Criteria Version 2. Collection method: clinical testing. Allele origin: germline. Affected: yes. Observed: 1 variant allele.
Comment: CPSF1: BP4, BP7

NM_013291.3(CPSF1):c.291C>T (p.Ser97=)

Gene: CPSF1 (cleavage and polyadenylation specific factor 1; minus strand). Cytogenetic location: 8q24.3.
Variant type: single nucleotide variant.
Coding change: c.291C>T on transcript NM_013291.3 (MANE Select); coding-DNA position 291, C replaced by T.
Protein change: p.Ser97=; no amino-acid change (serine 97 retained).
Molecular consequence: synonymous variant.
Genome position (GRCh38, 1-based): chr8:144,401,445, G>A on the plus strand (C>T on the coding strand, the complement: CPSF1 is on the minus strand). VCF-style: chr8-144401445-G-A. GRCh37 (hg19) VCF-style: chr8-145626839-G-A.
Identifiers: ClinVar variation 2658985 (VCV002658985.22), dbSNP rs1438342815, ClinGen allele CA463446956.